The following is an entry in ClinVar:

NM_001349338.3(FOXP1):c.1661C>G (p.Ser554Cys)

Gene: FOXP1 (forkhead box P1; minus strand). Cytogenetic location: 3p13.
Variant type: single nucleotide variant.
Coding change: c.1661C>G on transcript NM_001349338.3 (MANE Select); coding-DNA position 1661, C replaced by G.
Protein change: p.Ser554Cys; replaces serine 554 with cysteine.
Molecular consequence: missense variant. On other transcripts: non-coding transcript variant (2).
Genome position (GRCh38, 1-based): chr3:70,970,797, G>C on the plus strand (C>G on the coding strand, the complement: FOXP1 is on the minus strand). VCF-style: chr3-70970797-G-C. GRCh37 (hg19) VCF-style: chr3-71019948-G-C.
Other names: c.1661C>G, p.Ser554Cys (NM_001349340.3, NM_032682.6, NM_001244814.3 and 2 more transcripts); c.1658C>G, p.Ser553Cys (NM_001349341.3, NM_001244808.3); c.1361C>G, p.Ser454Cys (NM_001349342.3, NM_001244813.3, NM_001244815.2); c.1358C>G, p.Ser453Cys (NM_001349343.3, NM_001349344.3, NM_001370548.1 and 1 more transcripts); c.1709C>G, p.Ser570Cys (NM_001244810.2); c.1433C>G, p.Ser478Cys (NM_001244812.3); short protein forms S454C, S570C, S478C, S553C, S453C, S554C.
Identifiers: ClinVar variation 1963227 (VCV001963227.5), dbSNP rs570636770, ClinGen allele CA2490872.
Genomic context (GRCh38, chr3:70,970,797, plus strand): 5'-TGTAAAGCTGCATTGAGAGGTGTGCAGTAGGCGTGGCTGCTCTGCATGTTTTTAATAAGG[G>C]AAGGGTTACTGTGTAAGAAAAACATAAAAACTCAAAGTTAAACACAGTCGACTGCTGAGT-3'
Protein context (NP_001336267.1, residues 544-564): RRPQKISGNP[Ser554Cys]LIKNMQSSHA

ClinVar aggregate classification (germline): Uncertain significance (1 of 4 stars; one submission).

Allele frequency attached by ClinVar (database versions not stated): TOPMed 0.00001; ExAC 0.00001; gnomAD 0.00002; 1000 Genomes Project 30x 0.00016; 1000 Genomes Project 0.00020.
gnomAD v4.1: 5 of 1,612,564 alleles (0.00031%); highest among the groups gnomAD compares: African/African-American, 0.0067%; no homozygotes.

Submission:

Labcorp Genetics (formerly Invitae), Labcorp
Classification: Uncertain significance. Last evaluated: 2025-02-17. Review status: criteria provided, single submitter. Criteria: Invitae Variant Classification Sherloc (09022015). Collection method: clinical testing. Allele origin: germline.
Comment: This sequence change replaces serine, which is neutral and polar, with cysteine, which is neutral and slightly polar, at codon 554 of the FOXP1 protein (p.Ser554Cys). This variant is present in population databases (rs570636770, gnomAD 0.007%). This variant has not been reported in the literature in individuals affected with FOXP1-related conditions. ClinVar contains an entry for this variant (Variation ID: 1963227). Invitae Evidence Modeling of protein sequence and biophysical properties (such as structural, functional, and spatial information, amino acid conservation, physicochemical variation, residue mobility, and thermodynamic stability) indicates that this missense variant is expected to disrupt FOXP1 protein function with a positive predictive value of 80%. In summary, the available evidence is currently insufficient to determine the role of this variant in disease. Therefore, it has been classified as a Variant of Uncertain Significance.